The following is an entry in ClinVar:

NM_000836.4(GRIN2D):c.436G>C (p.Gly146Arg)

Genes: GRIN2D (glutamate ionotropic receptor NMDA type subunit 2D; plus strand), LOC130064856 (ATAC-STARR-seq lymphoblastoid silent region 10880; plus strand). Cytogenetic location: 19q13.33.
Variant type: single nucleotide variant.
Coding change: c.436G>C on transcript NM_000836.4 (MANE Select); coding-DNA position 436, G replaced by C.
Protein change: p.Gly146Arg; replaces glycine 146 with arginine.
Molecular consequence: missense variant.
Genome position (GRCh38, 1-based): chr19:48,398,828, G>C. VCF-style: chr19-48398828-G-C. GRCh37 (hg19) VCF-style: chr19-48902085-G-C.
Other names: short protein forms G146R.
Identifiers: ClinVar variation 4855888 (VCV004855888.1).

ClinVar aggregate classification (germline): Uncertain significance (1 of 4 stars; one submission).

Conditions:
Developmental and epileptic encephalopathy, 46 (DEE46). Also called: Epileptic encephalopathy, early infantile, 46; GRIN2D-Related Developmental and Epileptic Encephalopathy. Identifiers: MedGen C4310687, MONDO:0014947, OMIM 617162.

Submission:

3billion
Classification: Uncertain significance for Developmental and epileptic encephalopathy, 46. Last evaluated: 2025-10-03. Review status: criteria provided, single submitter. Criteria: ACMG Guidelines, 2015. Collection method: clinical testing. Allele origin: germline. Affected: yes.
Comment: The variant is not observed in the gnomAD v4.1.0 dataset. Predicted Consequence/Location: Missense variant. Missense changes are a common disease-causing mechanism. In silico tool predictions suggest damaging effect of the variant on gene or gene product [REVEL: 0.77 (>=0.6, sensitivity 0.68 and specificity 0.92)]. Different missense changes at the same codon have been reported as of uncertain significance (ClinVar ID: VCV001494701). Therefore, this variant is classified as VUS according to the recommendation of ACMG/AMP guideline.